The following is an entry in ClinVar:

ClinVar aggregate classification (germline): Uncertain significance (1 of 4 stars; one submission).

gnomAD v4.1: 2 of 1,612,792 alleles (0.00012%); highest among the groups gnomAD compares: Non-Finnish European, 0.00017%; no homozygotes.

Submission:

Labcorp Genetics (formerly Invitae), Labcorp
Classification: Uncertain significance. Last evaluated: 2025-05-09. Review status: criteria provided, single submitter. Criteria: Invitae Variant Classification Sherloc (09022015). Collection method: clinical testing. Allele origin: germline.
Comment: This sequence change replaces isoleucine, which is neutral and non-polar, with valine, which is neutral and non-polar, at codon 727 of the WFS1 protein (p.Ile727Val). This variant is not present in population databases (gnomAD no frequency). This variant has not been reported in the literature in individuals affected with WFS1-related conditions. ClinVar contains an entry for this variant (Variation ID: 1969912). Invitae Evidence Modeling of protein sequence and biophysical properties (such as structural, functional, and spatial information, amino acid conservation, physicochemical variation, residue mobility, and thermodynamic stability) indicates that this missense variant is not expected to disrupt WFS1 protein function with a negative predictive value of 95%. In summary, the available evidence is currently insufficient to determine the role of this variant in disease. Therefore, it has been classified as a Variant of Uncertain Significance.

NM_006005.3(WFS1):c.2179A>G (p.Ile727Val)

Gene: WFS1 (wolframin ER transmembrane glycoprotein; plus strand). Cytogenetic location: 4p16.1.
Variant type: single nucleotide variant.
Coding change: c.2179A>G on transcript NM_006005.3 (MANE Select); coding-DNA position 2179, A replaced by G.
Protein change: p.Ile727Val; replaces isoleucine 727 with valine.
Molecular consequence: missense variant.
Genome position (GRCh38, 1-based): chr4:6,301,974, A>G. VCF-style: chr4-6301974-A-G. GRCh37 (hg19) VCF-style: chr4-6303701-A-G.
Other names: c.2179A>G, p.Ile727Val (NM_001145853.1); short protein forms I727V.
Identifiers: ClinVar variation 1969912 (VCV001969912.5), dbSNP rs1173026674, ClinGen allele CA356178003.